The following is an entry in ClinVar:

ClinVar aggregate classification (germline): Uncertain significance (1 of 4 stars; one submission).

Allele frequency attached by ClinVar (database versions not stated): gnomAD 0.00001; gnomAD exomes 0.00001.
gnomAD v4.1: 4 of 1,613,772 alleles (0.00025%); highest among the groups gnomAD compares: African/African-American, 0.0027%; no homozygotes.

Submission:

Labcorp Genetics (formerly Invitae), Labcorp
Classification: Uncertain significance. Last evaluated: 2022-03-04. Review status: criteria provided, single submitter. Criteria: Invitae Variant Classification Sherloc (09022015). Collection method: clinical testing. Allele origin: germline.
Comment: This sequence change replaces tyrosine, which is neutral and polar, with cysteine, which is neutral and slightly polar, at codon 614 of the TTC37 protein (p.Tyr614Cys). This variant is present in population databases (no rsID available, gnomAD 0.007%). This variant has not been reported in the literature in individuals affected with TTC37-related conditions. Algorithms developed to predict the effect of missense changes on protein structure and function are either unavailable or do not agree on the potential impact of this missense change (SIFT: "Deleterious"; PolyPhen-2: "Probably Damaging"; Align-GVGD: "Class C0"). In summary, the available evidence is currently insufficient to determine the role of this variant in disease. Therefore, it has been classified as a Variant of Uncertain Significance.

NM_014639.4(SKIC3):c.1841A>G (p.Tyr614Cys)

Gene: SKIC3 (SKI3 subunit of superkiller complex; minus strand). Cytogenetic location: 5q15.
Variant type: single nucleotide variant.
Coding change: c.1841A>G on transcript NM_014639.4 (MANE Select); coding-DNA position 1841, A replaced by G.
Protein change: p.Tyr614Cys; replaces tyrosine 614 with cysteine.
Molecular consequence: missense variant.
Genome position (GRCh38, 1-based): chr5:95,522,224, T>C on the plus strand (A>G on the coding strand, the complement: SKIC3 is on the minus strand). VCF-style: chr5-95522224-T-C. GRCh37 (hg19) VCF-style: chr5-94857928-T-C.
Other names: short protein forms Y614C.
Identifiers: ClinVar variation 1977844 (VCV001977844.5), dbSNP rs1319611677, ClinGen allele CA360463363.